The following is an entry in ClinVar:

NM_000124.4(ERCC6):c.3467A>G (p.Lys1156Arg)

Gene: ERCC6 (ERCC excision repair 6, chromatin remodeling factor; minus strand). Cytogenetic location: 10q11.23.
Variant type: single nucleotide variant.
Coding change: c.3467A>G on transcript NM_000124.4 (MANE Select); coding-DNA position 3467, A replaced by G.
Protein change: p.Lys1156Arg; replaces lysine 1156 with arginine.
Molecular consequence: missense variant.
Genome position (GRCh38, 1-based): chr10:49,470,493, T>C on the plus strand (A>G on the coding strand, the complement: ERCC6 is on the minus strand). VCF-style: chr10-49470493-T-C. GRCh37 (hg19) VCF-style: chr10-50678539-T-C.
Other names: c.3467A>G, p.Lys1156Arg (NM_001346440.2); short protein forms K1156R.
Identifiers: ClinVar variation 4278785 (VCV004278785.1).
Genomic context (GRCh38, chr10:49,470,493, plus strand): 5'-TTTTCCATTTGTTTATTCTCCCAAAAAGCTTCTGTTTGAGCCTGGCTGGGTCTTTCTCTT[T>C]TGTAAGAAAGACCTAACTTTTCATCAATGCTTTCATCACCAGATGGCATAGAAGTTTTGC-3'
Protein context (NP_000115.1, residues 1146-1166): SIDEKLGLSY[Lys1156Arg]RERPSQAQTE

ClinVar aggregate classification (germline): Uncertain significance (1 of 4 stars; one submission).

Submission:

GeneDx
Classification: Uncertain significance. Last evaluated: 2025-04-03. Review status: criteria provided, single submitter. Criteria: GeneDx Variant Classification Process June 2021. Collection method: clinical testing. Allele origin: germline. Affected: yes.
Comment: In silico analysis indicates that this missense variant does not alter protein structure/function; Has not been previously published as pathogenic or benign to our knowledge